The following is an entry in ClinVar:

ClinVar aggregate classification (germline): Conflicting classifications of pathogenicity. Review status: criteria provided, conflicting classifications (1 of 4 stars). 9 submissions from 8 submitters: Uncertain significance (2); Benign (2); Likely benign (3). 2 of the submissions do not count toward it. Last evaluated 2026-02-04.

Conditions:
Perrault syndrome. Also called: Gonadal dysgenesis with auditory dysfunction, autosomal recessive inheritance. Identifiers: Orphanet 2855, MedGen C0685838, MONDO:0017312.
Bifunctional peroxisomal enzyme deficiency (DBIF). Also called: D-bifunctional protein deficiency; DBP DEFICIENCY; PBFE DEFICIENCY. Identifiers: Orphanet 300, MedGen C0342870, MONDO:0009855, OMIM 261515. Disease mechanism: loss of function.
HSD17B4-related disorder. Also called: HSD17B4-related condition; HSD17B4-related disorders.
Perrault syndrome 1 (PRLTS1). Also called: GONADAL DYSGENESIS, XX TYPE, WITH DEAFNESS; OVARIAN DYSGENESIS WITH SENSORINEURAL DEAFNESS. Identifiers: Orphanet 2855, Orphanet 642945, MedGen C4551721, MONDO:0009300, OMIM 233400.

Allele frequency attached by ClinVar (database versions not stated): gnomAD 0.00005 and 0.00009; gnomAD exomes 0.00007 and 0.00044; TOPMed 0.00019; ExAC 0.00035; 1000 Genomes Project 30x 0.00094; 1000 Genomes Project 0.00100.
gnomAD v4.1: 127 of 1,604,996 alleles (0.0079%); highest among the groups gnomAD compares: East Asian, 0.24%; 1 homozygote.

Submissions (9):

Labcorp Genetics (formerly Invitae), Labcorp
Classification: Benign for Perrault syndrome; Bifunctional peroxisomal enzyme deficiency. Last evaluated: 2026-02-04. Review status: criteria provided, single submitter. Criteria: Invitae Variant Classification Sherloc (09022015). Collection method: clinical testing. Allele origin: germline.

Women's Health and Genetics/Laboratory Corporation of America, LabCorp
Classification: Likely benign. Last evaluated: 2024-09-05. Review status: criteria provided, single submitter. Criteria: LabCorp Variant Classification Summary - May 2015. Collection method: clinical testing. Allele origin: germline.
Comment: Variant summary: HSD17B4 c.1566T>A (p.Ser522Arg) results in a non-conservative amino acid change located in the MaoC-like dehydratase domain (IPR002539) of the encoded protein sequence. Four of five in-silico tools predict a benign effect of the variant on protein function. The variant allele was found at a frequency of 0.00044 in 250906 control chromosomes, predominantly at a frequency of 0.0059 within the East Asian subpopulation in the gnomAD database, including 1 homozygotes. The observed variant frequency within East Asian control individuals in the gnomAD database is approximately 2 fold of the estimated maximal expected allele frequency for a pathogenic variant in HSD17B4 causing D-Bifunctional Protein Deficiency phenotype (0.003). To our knowledge, no occurrence of c.1566T>A in individuals affected with D-Bifunctional Protein Deficiency and no experimental evidence demonstrating its impact on protein function have been reported. ClinVar contains an entry for this variant (Variation ID: 226666). Based on the evidence outlined above, the variant was classified as likely benign.

Blueprint Genetics
Classification: Uncertain significance. Last evaluated: 2024-03-08. Review status: criteria provided, single submitter. Criteria: ACMG Guidelines, 2015. Collection method: clinical testing. Allele origin: germline.

GeneDx
Classification: Likely benign. Last evaluated: 2020-09-23. Review status: criteria provided, single submitter. Criteria: GeneDx Variant Classification Process June 2021. Collection method: clinical testing. Allele origin: germline. Affected: yes.

Illumina Laboratory Services, Illumina
Classification: Likely benign for Perrault syndrome 1. Last evaluated: 2018-01-12. Review status: criteria provided, single submitter. Criteria: ICSL Variant Classification Criteria 13 December 2019. Collection method: clinical testing. Allele origin: germline.
Comment: This variant was observed in the ICSL laboratory as part of a predisposition screen in an ostensibly healthy population. It had not been previously curated by ICSL or reported in the Human Gene Mutation Database (HGMD: prior to June 1st, 2018), and was therefore a candidate for classification through an automated scoring system. Utilizing variant allele frequency, disease prevalence and penetrance estimates, and inheritance mode, an automated score was calculated to assess if this variant is too frequent to cause the disease. Based on the score and internal cut-off values, a variant classified as likely benign is not then subjected to further curation. The score for this variant resulted in a classification of likely benign for this disease.

Illumina Laboratory Services, Illumina
Classification: Uncertain significance for Bifunctional peroxisomal enzyme deficiency. Last evaluated: 2018-01-12. Review status: criteria provided, single submitter. Criteria: ICSL Variant Classification Criteria 13 December 2019. Collection method: clinical testing. Allele origin: germline.

Laboratory for Molecular Medicine, Mass General Brigham Personalized Medicine
Classification: Benign. Last evaluated: 2015-12-04. Review status: criteria provided, single submitter. Criteria: LMM Criteria. Collection method: clinical testing. Allele origin: germline. Observed: 1 variant allele.
Comment: p.Ser547Arg in exon 19 of HSD17B4: This variant is not expected to have clinical significance because it has been identified in 0.49% (42/8640) of East Asian ch romosomes, including 1 homozygote individual, by the Exome Aggregation Consortiu m (ExAC; dbSNP rs184492796).

Natera, Inc.
Classification: Benign for Bifunctional peroxisomal enzyme deficiency. Last evaluated: 2020-09-16. Review status: no assertion criteria provided. Collection method: clinical testing. Allele origin: germline. Not counted in ClinVar's aggregate classification.

PreventionGenetics, part of Exact Sciences
Classification: Likely benign for HSD17B4-related condition. Last evaluated: 2020-05-11. Review status: no assertion criteria provided. Collection method: clinical testing. Allele origin: germline. Not counted in ClinVar's aggregate classification.
Comment: This variant is classified as likely benign based on ACMG/AMP sequence variant interpretation guidelines (Richards et al. 2015 PMID: 25741868, with internal and published modifications).

NM_000414.4(HSD17B4):c.1566T>A (p.Ser522Arg)

Gene: HSD17B4 (hydroxysteroid 17-beta dehydrogenase 4; plus strand). Cytogenetic location: 5q23.1.
Variant type: single nucleotide variant.
Coding change: c.1566T>A on transcript NM_000414.4 (MANE Select); coding-DNA position 1566, T replaced by A.
Protein change: p.Ser522Arg; replaces serine 522 with arginine.
Molecular consequence: missense variant. On other transcripts: non-coding transcript variant (2).
Genome position (GRCh38, 1-based): chr5:119,525,278, T>A. VCF-style: chr5-119525278-T-A. GRCh37 (hg19) VCF-style: chr5-118860973-T-A.
Other names: c.1641T>A, p.Ser547Arg (NM_001199291.3); c.1512T>A, p.Ser504Arg (NM_001199292.2); c.1494T>A, p.Ser498Arg (NM_001292027.2, NM_001374498.1); c.1146T>A, p.Ser382Arg (NM_001292028.2); c.1557T>A, p.Ser519Arg (NM_001374497.1); c.1239T>A, p.Ser413Arg (NM_001374499.1); c.1125T>A, p.Ser375Arg (NM_001374500.1); c.1155T>A, p.Ser385Arg (NM_001374501.1, NM_001374502.1, NM_001374503.1); short protein forms S522R, S547R, S382R, S498R, S504R, S385R, S413R, S519R.
Identifiers: ClinVar variation 226666 (VCV000226666.26), dbSNP rs184492796, ClinGen allele CA3382309.